The following is an entry in ClinVar:

ClinVar aggregate classification (germline): Conflicting classifications of pathogenicity. Review status: criteria provided, conflicting classifications (1 of 4 stars). 2 submissions from 2 submitters: Uncertain significance (1); Likely benign (1). Last evaluated 2024-05-12.

Conditions:
Inborn genetic diseases. Identifiers: MedGen C0950123, MeSH D030342.
Predisposition to invasive fungal disease due to CARD9 deficiency (IMD103). Also called: IMMUNODEFICIENCY 103, SUSCEPTIBILITY TO FUNGAL INFECTIONS; Candidiasis, familial, 2, autosomal recessive; CARD9 IMMUNODEFICIENCY. Identifiers: Orphanet 457088, MedGen C1859353, MONDO:0008905, OMIM 212050.

Allele frequency attached by ClinVar (database versions not stated): gnomAD exomes below 0.00001 and 0.00002; TOPMed 0.00002.
gnomAD v4.1: 11 of 1,569,370 alleles (0.0007%); highest among the groups gnomAD compares: East Asian, 0.021%; no homozygotes.

Submissions (2):

Ambry Genetics
Classification: Likely benign for Inborn genetic diseases. Last evaluated: 2024-05-12. Review status: criteria provided, single submitter. Criteria: Ambry Variant Classification Scheme 2023. Collection method: clinical testing. Allele origin: germline.

Labcorp Genetics (formerly Invitae), Labcorp
Classification: Uncertain significance for Predisposition to invasive fungal disease due to CARD9 deficiency. Last evaluated: 2020-01-30. Review status: criteria provided, single submitter. Criteria: Invitae Variant Classification Sherloc (09022015). Collection method: clinical testing. Allele origin: germline.
Comment: This sequence change replaces arginine with glutamine at codon 522 of the CARD9 protein (p.Arg522Gln). The arginine residue is weakly conserved and there is a small physicochemical difference between arginine and glutamine. This variant is present in population databases (rs745730969, ExAC 0.2%). This variant has not been reported in the literature in individuals with CARD9-related conditions. Algorithms developed to predict the effect of missense changes on protein structure and function output the following: SIFT: "Tolerated"; PolyPhen-2: "Benign"; Align-GVGD: "Class C0". The glutamine amino acid residue is found in multiple mammalian species, suggesting that this missense change does not adversely affect protein function. These predictions have not been confirmed by published functional studies and their clinical significance is uncertain. In summary, the available evidence is currently insufficient to determine the role of this variant in disease. Therefore, it has been classified as a Variant of Uncertain Significance.

NM_052813.5(CARD9):c.1565G>A (p.Arg522Gln)

Gene: CARD9 (caspase recruitment domain family member 9; minus strand). Cytogenetic location: 9q34.3.
Variant type: single nucleotide variant.
Coding change: c.1565G>A on transcript NM_052813.5 (MANE Select); coding-DNA position 1565, G replaced by A.
Protein change: p.Arg522Gln; replaces arginine 522 with glutamine.
Molecular consequence: missense variant. On other transcripts: intron variant (1).
Genome position (GRCh38, 1-based): chr9:136,364,348, C>T on the plus strand (G>A on the coding strand, the complement: CARD9 is on the minus strand). VCF-style: chr9-136364348-C-T. GRCh37 (hg19) VCF-style: chr9-139258800-C-T.
Other names: c.1565G>A (NM_052813.4); c.1442-186G>A (NM_052814.4); short protein forms R522Q.
Identifiers: ClinVar variation 1036833 (VCV001036833.12), dbSNP rs745730969, ClinGen allele CA5332579.
Genomic context (GRCh38, chr9:136,364,348, plus strand): 5'-CTGCGCTGCTGCGGCTAGGAGCCCTCAGTGTCGGTGTTGTCGCTGCCCGTGGTGTTCTCC[C>T]GGTCCTCCTCCCCCTGCCGCCATCCTTTCTGCATCTTCCTGAGGGCGCGCTTCCTGTGAA-3'
Protein context (NP_434700.2, residues 512-532): QKGWRQGEED[Arg522Gln]ENTTGSDNTD